The following is an entry in ClinVar:

ClinVar aggregate classification (germline): Uncertain significance. Review status: criteria provided, multiple submitters, no conflicts (2 of 4 stars). 3 submissions from 3 submitters: Uncertain significance (2). 1 of the submissions does not count toward it. Last evaluated 2023-09-14.

Conditions:
Inborn genetic diseases. Identifiers: MedGen C0950123, MeSH D030342.
Histiocytic medullary reticulosis. Also called: SEVERE COMBINED IMMUNODEFICIENCY WITH HYPEREOSINOPHILIA; Omenn syndrome. Identifiers: Orphanet 39041, MedGen C2700553, MONDO:0011338, OMIM 603554.
Severe combined immunodeficiency due to DCLRE1C deficiency (RS-SCID). Also called: SCID, AUTOSOMAL RECESSIVE, T CELL-NEGATIVE, B CELL-NEGATIVE, NK CELL-POSITIVE, WITH SENSITIVITY TO IONIZING RADIATION. Identifiers: Orphanet 275, MedGen C1865371, MONDO:0011225, OMIM 602450.

Allele frequency attached by ClinVar (database versions not stated): gnomAD 0.00003 and 0.00002; ExAC 0.00004; gnomAD exomes 0.00002; TOPMed 0.00004; ESP Exome Variant Server 0.00008.
gnomAD v4.1: 46 of 1,613,256 alleles (0.0029%); highest among the groups gnomAD compares: East Asian, 0.0089%; no homozygotes.

Submissions (3):

Ambry Genetics
Classification: Uncertain significance for Inborn genetic diseases. Last evaluated: 2023-09-14. Review status: criteria provided, single submitter. Criteria: Ambry Variant Classification Scheme 2023. Collection method: clinical testing. Allele origin: germline.

Labcorp Genetics (formerly Invitae), Labcorp
Classification: Uncertain significance for Athabaskan severe combined immunodeficiency. Last evaluated: 2022-07-19. Review status: criteria provided, single submitter. Criteria: Invitae Variant Classification Sherloc (09022015). Collection method: clinical testing. Allele origin: germline.
Comment: This sequence change replaces arginine, which is basic and polar, with glutamine, which is neutral and polar, at codon 360 of the DCLRE1C protein (p.Arg360Gln). This variant is present in population databases (rs377694988, gnomAD 0.03%). This variant has not been reported in the literature in individuals affected with DCLRE1C-related conditions. ClinVar contains an entry for this variant (Variation ID: 989761). Algorithms developed to predict the effect of missense changes on protein structure and function are either unavailable or do not agree on the potential impact of this missense change (SIFT: "Tolerated"; PolyPhen-2: "Possibly Damaging"; Align-GVGD: "Class C0"). In summary, the available evidence is currently insufficient to determine the role of this variant in disease. Therefore, it has been classified as a Variant of Uncertain Significance.

Natera, Inc.
Classification: Uncertain significance for Omenn syndrome. Last evaluated: 2020-04-13. Review status: no assertion criteria provided. Collection method: clinical testing. Allele origin: germline. Not counted in ClinVar's aggregate classification.

NM_001033855.3(DCLRE1C):c.1079G>A (p.Arg360Gln)

Gene: DCLRE1C (DNA cross-link repair 1C; minus strand). Cytogenetic location: 10p13.
Variant type: single nucleotide variant.
Coding change: c.1079G>A on transcript NM_001033855.3 (MANE Select); coding-DNA position 1079, G replaced by A.
Protein change: p.Arg360Gln; replaces arginine 360 with glutamine.
Molecular consequence: missense variant. On other transcripts: non-coding transcript variant (4).
Genome position (GRCh38, 1-based): chr10:14,919,815, C>T on the plus strand (G>A on the coding strand, the complement: DCLRE1C is on the minus strand). VCF-style: chr10-14919815-C-T. GRCh37 (hg19) VCF-style: chr10-14961814-C-T.
Other names: c.1079G>A, p.Arg360Gln (NM_001350965.2); c.734G>A, p.Arg245Gln (NM_001350966.2, NM_022487.4, NM_001289076.2 and 1 more transcripts); c.719G>A, p.Arg240Gln (NM_001350967.2, NM_001033857.3, NM_001033858.3 and 2 more transcripts); c.1079G>A (NM_001033855.1); short protein forms R240Q, R245Q, R360Q.
Identifiers: ClinVar variation 989761 (VCV000989761.4), dbSNP rs377694988, ClinGen allele CA5416554.